The following is an entry in ClinVar:

NM_018972.4(GDAP1):c.524C>G (p.Ala175Gly)

Gene: GDAP1 (ganglioside induced differentiation associated protein 1; plus strand). Cytogenetic location: 8q21.11.
Variant type: single nucleotide variant.
Coding change: c.524C>G on transcript NM_018972.4 (MANE Select); coding-DNA position 524, C replaced by G.
Protein change: p.Ala175Gly; replaces alanine 175 with glycine.
Molecular consequence: missense variant.
Genome position (GRCh38, 1-based): chr8:74,361,923, C>G. VCF-style: chr8-74361923-C-G. GRCh37 (hg19) VCF-style: chr8-75274158-C-G.
Other names: c.320C>G, p.Ala107Gly (NM_001040875.4); c.197C>G, p.Ala66Gly (NM_001362929.2, NM_001362932.2); c.350C>G, p.Ala117Gly (NM_001362930.2); c.524C>G, p.Ala175Gly (NM_001362931.2); short protein forms A107G, A117G, A175G, A66G.
Identifiers: ClinVar variation 3063814 (VCV003063814.1), dbSNP rs1809385881, ClinGen allele CA371549077.

ClinVar aggregate classification (germline): Uncertain significance (1 of 4 stars; one submission).

Allele frequency attached by ClinVar (database versions not stated): TOPMed below 0.00001.

Submission:

Women's Health and Genetics/Laboratory Corporation of America, LabCorp
Classification: Uncertain significance. Last evaluated: 2024-01-08. Review status: criteria provided, single submitter. Criteria: LabCorp Variant Classification Summary - May 2015. Collection method: clinical testing. Allele origin: germline.
Comment: Variant summary: GDAP1 c.524C>G (p.Ala175Gly) results in a non-conservative amino acid change located in the Glutathione S-transferase, C-terminal-like domain (IPR010987) of the encoded protein sequence. Four of five in-silico tools predict a damaging effect of the variant on protein function. The variant was absent in 250972 control chromosomes. The available data on variant occurrences in the general population are insufficient to allow any conclusion about variant significance. To our knowledge, no occurrence of c.524C>G in individuals affected with Charcot-Marie Disease Type 4A and no experimental evidence demonstrating its impact on protein function have been reported. No submitters have cited clinical-significance assessments for this variant to ClinVar. Based on the evidence outlined above, the variant was classified as uncertain significance.